The following is an entry in ClinVar:

NM_031857.2(PCDHA9):c.1302A>G (p.Ser434=)

Genes: PCDHA1 (protocadherin alpha 1; plus strand), PCDHA2 (protocadherin alpha 2; plus strand), PCDHA3 (protocadherin alpha 3; plus strand), PCDHA4 (protocadherin alpha 4; plus strand), PCDHA5 (protocadherin alpha 5; plus strand) and 5 more. Cytogenetic location: 5q31.3.
Variant type: single nucleotide variant.
Coding change: c.1302A>G on transcript NM_031857.2 (MANE Select); coding-DNA position 1302, A replaced by G.
Protein change: p.Ser434=; no amino-acid change (serine 434 retained).
Molecular consequence: synonymous variant. On other transcripts: intron variant (10).
Genome position (GRCh38, 1-based): chr5:140,849,797, A>G. VCF-style: chr5-140849797-A-G. GRCh37 (hg19) VCF-style: chr5-140229382-A-G.
Other names: c.1302A>G, p.Ser434= (NM_014005.5); c.2394+61113A>G (NM_018900.4); c.1602+61905A>G (NM_031411.3); c.2388+52445A>G (NM_018905.3); c.2394+46206A>G (NM_018906.3); c.2385+40225A>G (NM_018907.4); c.2352+25670A>G (NM_018908.3); c.2394+19312A>G (NM_018909.4); and 3 more.
Identifiers: ClinVar variation 3051982 (VCV003051982.2), dbSNP rs566372258, ClinGen allele CA3450413.

ClinVar aggregate classification (germline): Likely benign (0 of 4 stars; one submission).

Conditions:
PCDHA9-related disorder. Also called: PCDHA9-related condition.

Allele frequency attached by ClinVar (database versions not stated): 1000 Genomes Project 30x 0.00031; gnomAD 0.00020.
gnomAD v4.1: 700 of 1,597,928 alleles (0.044%); highest among the groups gnomAD compares: Non-Finnish European, 0.057%; 59 homozygotes.

Submission:

PreventionGenetics, part of Exact Sciences
Classification: Likely benign for PCDHA9-related condition. Last evaluated: 2020-10-05. Review status: no assertion criteria provided. Collection method: clinical testing. Allele origin: germline.
Comment: This variant is classified as likely benign based on ACMG/AMP sequence variant interpretation guidelines (Richards et al. 2015 PMID: 25741868, with internal and published modifications).